The following is an entry in ClinVar:

ClinVar aggregate classification (germline): Uncertain significance. Review status: criteria provided, multiple submitters, no conflicts (2 of 4 stars). 2 submissions from 2 submitters: Uncertain significance (2). Last evaluated 2022-05-12.

Conditions:
Glycogen storage disease, type II (IOPD). Also called: CARDIOMEGALIA GLYCOGENICA DIFFUSA; POMPE DISEASE, INFANTILE-ONSET; GLYCOGEN STORAGE DISEASE II, INFANTILE-ONSET; ACID ALPHA-GLUCOSIDASE DEFICIENCY, INFANTILE-ONSET; GAA DEFICIENCY, INFANTILE-ONSET; ACID MALTASE DEFICIENCY, INFANTILE-ONSET. Identifiers: Orphanet 365, MedGen C0017921, MONDO:0009290, OMIM 232300.

Submissions (2):

Labcorp Genetics (formerly Invitae), Labcorp
Classification: Uncertain significance for Glycogen storage disease, type II. Last evaluated: 2022-05-12. Review status: criteria provided, single submitter. Criteria: Invitae Variant Classification Sherloc (09022015). Collection method: clinical testing. Allele origin: germline.
Comment: This variant has not been reported in the literature in individuals affected with GAA-related conditions. In summary, the available evidence is currently insufficient to determine the role of this variant in disease. Therefore, it has been classified as a Variant of Uncertain Significance. Advanced modeling of protein sequence and biophysical properties (such as structural, functional, and spatial information, amino acid conservation, physicochemical variation, residue mobility, and thermodynamic stability) performed at Invitae indicates that this missense variant is not expected to disrupt GAA protein function. This variant is not present in population databases (gnomAD no frequency). This sequence change replaces glycine, which is neutral and non-polar, with aspartic acid, which is acidic and polar, at codon 920 of the GAA protein (p.Gly920Asp).

Revvity Omics, Revvity
Classification: Uncertain significance. Last evaluated: 2022-03-31. Review status: criteria provided, single submitter. Criteria: ACMG Guidelines, 2015. Collection method: clinical testing. Allele origin: germline.

NM_000152.5(GAA):c.2759G>A (p.Gly920Asp)

Gene: GAA (alpha glucosidase; plus strand). Cytogenetic location: 17q25.3.
Variant type: single nucleotide variant.
Coding change: c.2759G>A on transcript NM_000152.5 (MANE Select); coding-DNA position 2759, G replaced by A.
Protein change: p.Gly920Asp; replaces glycine 920 with aspartic acid.
Molecular consequence: missense variant.
Genome position (GRCh38, 1-based): chr17:80,118,765, G>A. VCF-style: chr17-80118765-G-A. GRCh37 (hg19) VCF-style: chr17-78092564-G-A.
Other names: c.2759G>A, p.Gly920Asp (NM_001079803.3, NM_001079804.3, NM_001406741.1 and 1 more transcripts); short protein forms G920D.
Identifiers: ClinVar variation 2133867 (VCV002133867.7), dbSNP rs2510404876, ClinGen allele CA401327229.